The following is an entry in ClinVar:

ClinVar aggregate classification (germline): Likely benign (1 of 4 stars; one submission).

Allele frequency attached by ClinVar (database versions not stated): ExAC 0.00007; ESP Exome Variant Server 0.00015; 1000 Genomes Project 30x 0.00016; 1000 Genomes Project 0.00020; TOPMed 0.00023; gnomAD 0.00031.

Submission:

Women's Health and Genetics/Laboratory Corporation of America, LabCorp
Classification: Likely benign. Last evaluated: 2024-03-18. Review status: criteria provided, single submitter. Criteria: LabCorp Variant Classification Summary - May 2015. Collection method: clinical testing. Allele origin: germline.
Comment: Variant summary: FGA c.345C>T alters anon-conserved nucleotide resulting in a synonymous change. Consensus agreement among computation tools predict no significant impact on normal splicing. However, these predictions have yet to be confirmed by functional studies. The variant allele was found at a frequency of 6.8e-05 in 250738 control chromosomes (gnomAD). This frequency is not significantly higher than estimated for a pathogenic variant in FGA causing Congenital Dysfibrinogenemia (6.8e-05 vs ND), allowing no conclusion about variant significance. To our knowledge, no occurrence of c.345C>T in individuals affected with Congenital Dysfibrinogenemia and no experimental evidence demonstrating its impact on protein function have been reported. No submitters have cited clinical-significance assessments for this variant to ClinVar. Based on the evidence outlined above, the variant was classified as likely benign.

NM_021871.4(FGA):c.345C>T (p.Gly115=)

Gene: FGA (fibrinogen alpha chain; minus strand). Cytogenetic location: 4q31.3.
Variant type: single nucleotide variant.
Coding change: c.345C>T on transcript NM_021871.4 (MANE Select); coding-DNA position 345, C replaced by T.
Protein change: p.Gly115=; no amino-acid change (glycine 115 retained).
Molecular consequence: synonymous variant.
Genome position (GRCh38, 1-based): chr4:154,588,812, G>A on the plus strand (C>T on the coding strand, the complement: FGA is on the minus strand). VCF-style: chr4-154588812-G-A. GRCh37 (hg19) VCF-style: chr4-155509964-G-A.
Other names: c.345C>T, p.Gly115= (NM_000508.5).
Identifiers: ClinVar variation 3233910 (VCV003233910.2), dbSNP rs141623466, ClinGen allele CA3115332.